The following is an entry in ClinVar:

ClinVar aggregate classification (germline): Uncertain significance (1 of 4 stars; one submission).

Submission:

Dasa
Classification: Uncertain significance. Last evaluated: 2026-06-22. Review status: criteria provided, single submitter. Criteria: DASA Assertion Criteria. Collection method: clinical testing. Allele origin: germline.
Comment: NM_001205293.3(CACNA1E):c.3526G>C (p.Val1176Leu) is a missense variant that results in the substitution of valine with leucine. This variant is rare in population databases. Computational prediction algorithms are consistent with a deleterious effect. The currently available literature and clinical evidence are not sufficient to establish a definitive association between this variant and the reported condition. Therefore, this variant is classified as a variant of uncertain significance.

NM_001205293.3(CACNA1E):c.3526G>C (p.Val1176Leu)

Gene: CACNA1E (calcium voltage-gated channel subunit alpha1 E; plus strand). Cytogenetic location: 1q25.3.
Variant type: single nucleotide variant.
Coding change: c.3526G>C on transcript NM_001205293.3 (MANE Select); coding-DNA position 3526, G replaced by C.
Protein change: p.Val1176Leu; replaces valine 1176 with leucine.
Molecular consequence: missense variant.
Genome position (GRCh38, 1-based): chr1:181,737,628, G>C. VCF-style: chr1-181737628-G-C. GRCh37 (hg19) VCF-style: chr1-181706764-G-C.
Other names: c.3526G>C, p.Val1176Leu (NM_000721.4); c.3469G>C, p.Val1157Leu (NM_001205294.2); short protein forms V1157L, V1176L.
Identifiers: ClinVar variation 5020327 (VCV005020327.1).